The following is an entry in ClinVar:

NM_173651.4(FSIP2):c.1348-8T>C

Gene: FSIP2 (fibrous sheath interacting protein 2; plus strand). Cytogenetic location: 2q32.1.
Variant type: single nucleotide variant.
Coding change: c.1348-8T>C on transcript NM_173651.4 (MANE Select); 8 bases into the intron before coding-DNA position 1348, T replaced by C.
Molecular consequence: intron variant.
Genome position (GRCh38, 1-based): chr2:185,764,494, T>C. VCF-style: chr2-185764494-T-C. GRCh37 (hg19) VCF-style: chr2-186629221-T-C.
Identifiers: ClinVar variation 3052408 (VCV003052408.2), dbSNP rs539621658, ClinGen allele CA61763582.

ClinVar aggregate classification (germline): Likely benign (0 of 4 stars; one submission).

Conditions:
FSIP2-related disorder. Also called: FSIP2-related condition.

Allele frequency attached by ClinVar (database versions not stated): gnomAD exomes 0.00008; gnomAD 0.00009; TOPMed 0.00009; 1000 Genomes Project 30x 0.00031.
gnomAD v4.1: 123 of 1,521,454 alleles (0.0081%); highest among the groups gnomAD compares: Admixed American, 0.01%; no homozygotes.

Submission:

PreventionGenetics, part of Exact Sciences
Classification: Likely benign for FSIP2-related condition. Last evaluated: 2019-08-13. Review status: no assertion criteria provided. Collection method: clinical testing. Allele origin: germline.
Comment: This variant is classified as likely benign based on ACMG/AMP sequence variant interpretation guidelines (Richards et al. 2015 PMID: 25741868, with internal and published modifications).